The following is an entry in ClinVar:

NM_000059.4(BRCA2):c.2377A>G (p.Lys793Glu)

Gene: BRCA2 (BRCA2 DNA repair associated; plus strand). Cytogenetic location: 13q13.1.
Variant type: single nucleotide variant.
Coding change: c.2377A>G on transcript NM_000059.4 (MANE Select); coding-DNA position 2377, A replaced by G.
Protein change: p.Lys793Glu; replaces lysine 793 with glutamic acid.
Molecular consequence: missense variant. On other transcripts: non-coding transcript variant (1), intron variant (2).
Genome position (GRCh38, 1-based): chr13:32,336,732, A>G. VCF-style: chr13-32336732-A-G. GRCh37 (hg19) VCF-style: chr13-32910869-A-G.
Other names: c.2377A>G, p.Lys793Glu (NM_001406719.1, NM_001406720.1, NM_001432077.1); c.1909+3345A>G (NM_001406721.1); c.424+5702A>G (NM_001406722.1); short protein forms K793E.
Identifiers: ClinVar variation 5033373 (VCV005033373.1).
Genomic context (GRCh38, chr13:32,336,732, plus strand): 5'-CCTACTTCCAAGGATGTTCTGTCAAACCTAGTCATGATTTCTAGAGGCAAAGAATCATAC[A>G]AAATGTCAGACAAGCTCAAAGGTAACAATTATGAATCTGATGTTGAATTAACCAAAAATA-3'
Protein context (NP_000050.3, residues 783-803): VMISRGKESY[Lys793Glu]MSDKLKGNNY

ClinVar aggregate classification (germline): Uncertain significance (1 of 4 stars; one submission).

Conditions:
Hereditary cancer-predisposing syndrome. Also called: Neoplastic Syndromes, Hereditary; Tumor predisposition; Hereditary neoplastic syndrome; Hereditary Cancer Syndrome. Identifiers: Orphanet 140162, MedGen C0027672, MeSH D009386, MONDO:0015356.

Submission:

Ambry Genetics
Classification: Uncertain significance for Hereditary cancer-predisposing syndrome. Last evaluated: 2026-09-09. Review status: criteria provided, single submitter. Criteria: Ambry Variant Classification Scheme 2023. Collection method: clinical testing. Allele origin: germline.
Comment: The p.K793E variant (also known as c.2377A>G), located in coding exon 10 of the BRCA2 gene, results from an A to G substitution at nucleotide position 2377. The lysine at codon 793 is replaced by glutamic acid, an amino acid with similar properties. This amino acid position is conserved. In addition, the in silico prediction for this alteration is inconclusive. Based on the available evidence, the clinical significance of this variant remains unclear.